The following is an entry in ClinVar:

ClinVar aggregate classification (germline): Uncertain significance (1 of 4 stars; one submission).

Conditions:
Joubert syndrome. Also called: JOUBERT-BOLTSHAUSER SYNDROME; Familial aplasia of the vermis. Identifiers: Orphanet 475, MedGen C5979921, MONDO:0018772.
Meckel-Gruber syndrome. Also called: DYSENCEPHALIA SPLANCHNOCYSTICA; GRUBER SYNDROME; Dysencephalia splachnocystica. Identifiers: Orphanet 564, MedGen C0265215, MONDO:0018921.

gnomAD v4.1: 4 of 1,613,858 alleles (0.00025%); highest among the groups gnomAD compares: Non-Finnish European, 0.00034%; no homozygotes.

Submission:

Labcorp Genetics (formerly Invitae), Labcorp
Classification: Uncertain significance for Joubert syndrome; Meckel-Gruber syndrome. Last evaluated: 2021-10-21. Review status: criteria provided, single submitter. Criteria: Invitae Variant Classification Sherloc (09022015). Collection method: clinical testing. Allele origin: germline.
Comment: This sequence change replaces glutamic acid, which is acidic and polar, with glutamine, which is neutral and polar, at codon 561 of the CC2D2A protein (p.Glu561Gln). This variant is not present in population databases (gnomAD no frequency). This variant has not been reported in the literature in individuals affected with CC2D2A-related conditions. Advanced modeling of protein sequence and biophysical properties (such as structural, functional, and spatial information, amino acid conservation, physicochemical variation, residue mobility, and thermodynamic stability) performed at Invitae indicates that this missense variant is not expected to disrupt CC2D2A protein function. In summary, the available evidence is currently insufficient to determine the role of this variant in disease. Therefore, it has been classified as a Variant of Uncertain Significance.

NM_001378615.1(CC2D2A):c.1681G>C (p.Glu561Gln)

Genes: CC2D2A (coiled-coil and C2 domain containing 2A; plus strand), FBXL5 (F-box and leucine rich repeat protein 5; minus strand). Cytogenetic location: 4p15.32.
Variant type: single nucleotide variant.
Coding change: c.1681G>C on transcript NM_001378615.1 (MANE Select); coding-DNA position 1681, G replaced by C.
Protein change: p.Glu561Gln; replaces glutamic acid 561 with glutamine.
Molecular consequence: missense variant.
Genome position (GRCh38, 1-based): chr4:15,536,993, G>C. VCF-style: chr4-15536993-G-C. GRCh37 (hg19) VCF-style: chr4-15538616-G-C.
Other names: c.1681G>C, p.Glu561Gln (NM_001080522.2); c.1534G>C, p.Glu512Gln (NM_001378617.1); short protein forms E561Q, E512Q.
Identifiers: ClinVar variation 1469220 (VCV001469220.6), dbSNP rs2109034008, ClinGen allele CA356411324.